The following is an entry in ClinVar:

NM_004526.4(MCM2):c.1153G>A (p.Val385Met)

Gene: MCM2 (minichromosome maintenance complex component 2; plus strand). Cytogenetic location: 3q21.3.
Variant type: single nucleotide variant.
Coding change: c.1153G>A on transcript NM_004526.4 (MANE Select); coding-DNA position 1153, G replaced by A.
Protein change: p.Val385Met; replaces valine 385 with methionine.
Molecular consequence: missense variant. On other transcripts: non-coding transcript variant (1).
Genome position (GRCh38, 1-based): chr3:127,608,433, G>A. VCF-style: chr3-127608433-G-A. GRCh37 (hg19) VCF-style: chr3-127327276-G-A.
Other names: c.1153G>A (NM_004526.3); short protein forms V385M.
Identifiers: ClinVar variation 1919907 (VCV001919907.6), dbSNP rs758921122, ClinGen allele CA2595809.

ClinVar aggregate classification (germline): Uncertain significance. Review status: criteria provided, multiple submitters, no conflicts (2 of 4 stars). 2 submissions from 2 submitters: Uncertain significance (2). Last evaluated 2025-04-09.

Conditions:
MCM2-related disorder. Also called: MCM2-related condition.

Allele frequency attached by ClinVar (database versions not stated): gnomAD 0.00001; TOPMed 0.00001; ExAC 0.00002; gnomAD exomes 0.00002.
gnomAD v4.1: 29 of 1,614,112 alleles (0.0018%); highest among the groups gnomAD compares: Non-Finnish European, 0.0025%; no homozygotes.

Submissions (2):

PreventionGenetics, part of Exact Sciences
Classification: Uncertain significance for MCM2-related condition. Last evaluated: 2025-04-09. Review status: criteria provided, single submitter. Criteria: ACMG Guidelines, 2015. Collection method: clinical testing. Allele origin: germline.
Comment: The MCM2 c.1153G>A variant is predicted to result in the amino acid substitution p.Val385Met. To our knowledge, this variant has not been reported in the literature. This variant is reported in 0.0053% of alleles in individuals of European (Non-Finnish) descent in gnomAD. At this time, the clinical significance of this variant is uncertain due to the absence of conclusive functional and genetic evidence.

Labcorp Genetics (formerly Invitae), Labcorp
Classification: Uncertain significance. Last evaluated: 2024-05-29. Review status: criteria provided, single submitter. Criteria: Invitae Variant Classification Sherloc (09022015). Collection method: clinical testing. Allele origin: germline.
Comment: This sequence change replaces valine, which is neutral and non-polar, with methionine, which is neutral and non-polar, at codon 385 of the MCM2 protein (p.Val385Met). This variant is present in population databases (rs758921122, gnomAD 0.004%). This variant has not been reported in the literature in individuals affected with MCM2-related conditions. ClinVar contains an entry for this variant (Variation ID: 1919907). Advanced modeling of protein sequence and biophysical properties (such as structural, functional, and spatial information, amino acid conservation, physicochemical variation, residue mobility, and thermodynamic stability) performed at Invitae indicates that this missense variant is expected to disrupt MCM2 protein function with a positive predictive value of 80%. In summary, the available evidence is currently insufficient to determine the role of this variant in disease. Therefore, it has been classified as a Variant of Uncertain Significance.